The following is an entry in ClinVar:

NM_001005388.3(NFASC):c.1722C>T (p.Asp574=)

Gene: NFASC (neurofascin; plus strand). Cytogenetic location: 1q32.1.
Variant type: single nucleotide variant.
Coding change: c.1722C>T on transcript NM_001005388.3 (MANE Select); coding-DNA position 1722, C replaced by T.
Protein change: p.Asp574=; no amino-acid change (aspartic acid 574 retained).
Molecular consequence: synonymous variant. On other transcripts: non-coding transcript variant (1).
Genome position (GRCh38, 1-based): chr1:204,976,686, C>T. VCF-style: chr1-204976686-C-T. GRCh37 (hg19) VCF-style: chr1-204945814-C-T.
Other names: c.1722C>T, p.Asp574= (NM_001005389.2, NM_001378329.1); c.1755C>T, p.Asp585= (NM_001160331.2, NM_001160332.2, NM_001365986.1 and 3 more transcripts); c.1704C>T, p.Asp568= (NM_001160333.2).
Identifiers: ClinVar variation 723071 (VCV000723071.33), dbSNP rs55726173, ClinGen allele CA1350053.
Genomic context (GRCh38, chr1:204,976,686, plus strand): 5'-ACTCCCCTACCCCCTCCTCCCAACCCTTCCTCGGTACCTTTGCAGGATGAAGAAGGAAGA[C>T]GACTCCCTGACCATCTTTGGGGTGGCAGAGCGGGACCAGGGCAGTTACACGTGTGTCGCC-3'
Protein context (NP_001005388.2, residues 564-584): LYIGNRMKKE[Asp574=]DSLTIFGVAE

ClinVar aggregate classification (germline): Benign. Review status: criteria provided, multiple submitters, no conflicts (2 of 4 stars). 3 submissions from 3 submitters: Benign (3). Last evaluated 2026-02-01.

Allele frequency attached by ClinVar (database versions not stated): TOPMed 0.00343; ESP Exome Variant Server 0.00361; 1000 Genomes Project 30x 0.00453; 1000 Genomes Project 0.00459; gnomAD 0.00529 and 0.00555; ExAC 0.00630.
gnomAD v4.1: 9,544 of 1,613,316 alleles (0.59%); highest among the groups gnomAD compares: East Asian, 1.1%; 52 homozygotes.

Submissions (3):

CeGaT Center for Human Genetics Tuebingen
Classification: Benign. Last evaluated: 2026-02-01. Review status: criteria provided, single submitter. Criteria: CeGaT Center For Human Genetics Tuebingen Variant Classification Criteria Version 2. Collection method: clinical testing. Allele origin: germline. Affected: yes. Observed: 17 variant alleles.
Comment: NFASC: BP4, BP7, BS1, BS2

Labcorp Genetics (formerly Invitae), Labcorp
Classification: Benign. Last evaluated: 2018-08-22. Review status: criteria provided, single submitter. Criteria: Invitae Variant Classification Sherloc (09022015). Collection method: clinical testing. Allele origin: germline.

Breakthrough Genomics
Classification: Benign. Review status: criteria provided, single submitter. Criteria: ACMG Guidelines, 2015. Collection method: not provided. Allele origin: germline. Inheritance: Autosomal recessive inheritance. Affected: yes.